The following is an entry in ClinVar:

ClinVar aggregate classification (germline): Benign (1 of 4 stars; one submission).

Submission:

CeGaT Center for Human Genetics Tuebingen
Classification: Benign. Last evaluated: 2025-08-01. Review status: criteria provided, single submitter. Criteria: CeGaT Center For Human Genetics Tuebingen Variant Classification Criteria Version 2. Collection method: clinical testing. Allele origin: germline. Affected: yes. Observed: 13 variant alleles.
Comment: MACF1: BS1, BS2

NM_001394062.1(MACF1):c.15817-8641_15817-8603del

Genes: KIAA0754 (KIAA0754; plus strand), MACF1 (microtubule actin crosslinking factor 1; plus strand). Cytogenetic location: 1p34.3.
Variant type: Deletion.
Coding change: c.15817-8641_15817-8603del on transcript NM_001394062.1 (MANE Select); 8641 bases into the intron before coding-DNA position 15817 through 8603 bases into the intron before coding-DNA position 15817, 39 bases deleted.
Molecular consequence: intron variant. On other transcripts: inframe deletion (1).
Genome position (GRCh38, 1-based): chr1:39,413,733-39,413,771, 39 bases deleted; deleting any 39 consecutive bases within chr1:39,413,725-39,413,771 gives the same sequence; the c. name uses the placement nearest the transcript's 3' end. GRCh37 (hg19): chr1:39,879,405-39,879,443.
Other names: c.3468_3506del, p.Ala1159_Ser1171del (NM_001397473.1); c.9631-8641_9631-8603del (NM_012090.5).
Identifiers: ClinVar variation 2638708 (VCV002638708.24), dbSNP rs776799112, ClinGen allele CA783019.